The following is an entry in ClinVar:

ClinVar aggregate classification (germline): Uncertain significance (1 of 4 stars; one submission).

Submission:

Quest Diagnostics Nichols Institute San Juan Capistrano
Classification: Uncertain significance. Last evaluated: 2023-11-30. Review status: criteria provided, single submitter. Criteria: Quest Diagnostics criteria. Collection method: clinical testing. Allele origin: unknown.
Comment: The BRCA1 c.328A>C (p.Lys110Gln) variant has been reported in the published literature in computational study as functionally neutral (PMID: 29884841 (2019)). This variant has not been reported in large, multi-ethnic general populations (Genome Aggregation Database). Analysis of this variant using bioinformatics tools for the prediction of the effect of amino acid changes on protein structure and function yielded conflicting predictions that this variant is benign or damaging. Based on the available information, we are unable to determine the clinical significance of this variant.

Literature cited by the submitters: PubMed 29884841.

NM_007294.4(BRCA1):c.328A>C (p.Lys110Gln)

Gene: BRCA1 (BRCA1 DNA repair associated; minus strand). Cytogenetic location: 17q21.31.
Variant type: single nucleotide variant.
Coding change: c.328A>C on transcript NM_007294.4 (MANE Select); coding-DNA position 328, A replaced by C.
Protein change: p.Lys110Gln; replaces lysine 110 with glutamine.
Molecular consequence: missense variant. On other transcripts: 5 prime UTR variant (7), intron variant (2).
Genome position (GRCh38, 1-based): chr17:43,104,235, T>G on the plus strand (A>C on the coding strand, the complement: BRCA1 is on the minus strand). VCF-style: chr17-43104235-T-G. GRCh37 (hg19) VCF-style: chr17-41256252-T-G.
Other names: c.118A>C, p.Lys40Gln (NM_001407571.1, NM_001407853.1, NM_001407879.1 and 58 more transcripts); c.328A>C, p.Lys110Gln (NM_001407581.1, NM_001407582.1, NM_001407583.1 and 164 more transcripts); c.319A>C, p.Lys107Gln (NM_001407646.1, NM_001407647.1, NM_001408408.1); c.250A>C, p.Lys84Gln (NM_001407653.1, NM_001407654.1, NM_001407655.1 and 21 more transcripts); c.187A>C, p.Lys63Gln (NM_001407692.1, NM_001407694.1, NM_001407695.1 and 99 more transcripts); c.-54A>C (NM_001407959.1, NM_001407960.1, NM_001407962.1 and 4 more transcripts); c.196A>C, p.Lys66Gln (NM_001408451.1); c.-218-9375A>C (NM_001407967.1, NM_001407966.1); short protein forms K110Q, K63Q, K84Q, K107Q, K66Q, K40Q.
Identifiers: ClinVar variation 3572267 (VCV003572267.1).
Genomic context (GRCh38, chr17:43,104,235, plus strand): 5'-AGCCCATACTTTGGATGATAGAAACTTCATCTTTTAGATGTTCAGGAGAGTTATTTTCCT[T>G]TTTTGCAAAATTATAGCTGTTTGCATCTGTAAAATACAAGGGAAAACATTATGTTTGCAG-3'
Protein context (NP_009225.1, residues 100-120): EYANSYNFAK[Lys110Gln]ENNSPEHLKD